The following is an entry in ClinVar:

ClinVar aggregate classification (germline): Pathogenic. Review status: criteria provided, single submitter (1 of 4 stars). 2 submissions from 2 submitters: Pathogenic (1). 1 of the submissions does not count toward it. Last evaluated 2024-08-08.

Conditions:
Familial long QT syndrome (RWS). Also called: Congenital long QT syndrome; Romano-Ward syndrome; VENTRICULAR FIBRILLATION WITH PROLONGED QT INTERVAL. Identifiers: Orphanet 768, MedGen C1141890, MONDO:0019171.
Long QT syndrome (LQTS). Identifiers: MedGen C0023976, MeSH D008133, MONDO:0002442. Disease mechanism: loss of function. Inheritance: Various modes of inheritance.

Submissions (2):

Labcorp Genetics (formerly Invitae), Labcorp
Classification: Pathogenic for Long QT syndrome. Last evaluated: 2024-08-08. Review status: criteria provided, single submitter. Criteria: Invitae Variant Classification Sherloc (09022015). Collection method: clinical testing. Allele origin: germline.
Comment: This sequence change replaces phenylalanine, which is neutral and non-polar, with leucine, which is neutral and non-polar, at codon 627 of the KCNH2 protein (p.Phe627Leu). This variant is not present in population databases (gnomAD no frequency). This missense change has been observed in individual(s) with clinical features of long QT syndrome (PMID: 10973849, 11854117, 18848812, 24217263, 24322056). In at least one individual the variant was observed to be de novo. ClinVar contains an entry for this variant (Variation ID: 67310). An algorithm developed to predict the effect of missense changes on protein structure and function (PolyPhen-2) suggests that this variant is likely to be disruptive. Experimental studies have shown that this missense change affects KCNH2 function (PMID: 25417810). For these reasons, this variant has been classified as Pathogenic.

Cardiovascular Biomedical Research Unit, Royal Brompton & Harefield NHS Foundation Trust
No classification provided. Condition: Familial long QT syndrome. Review status: no classification provided. Collection method: literature only. Allele origin: germline. Not counted in ClinVar's aggregate classification.
Comment: This variant has been reported as associated with Long QT syndrome in the following publications (PMID:10973849). This is a literature report, and does not necessarily reflect the clinical interpretation of the Imperial College / Royal Brompton Cardiovascular Genetics laboratory.

Literature cited by the submitters: PubMed 10973849 (cited by Labcorp Genetics (formerly Invitae), Labcorp and Cardiovascular Biomedical Research Unit, Royal Brompton & Harefield NHS Foundation Trust); PubMed 11854117 (cited by Labcorp Genetics (formerly Invitae), Labcorp); PubMed 18848812 (cited by Labcorp Genetics (formerly Invitae), Labcorp); PubMed 24217263 (cited by Labcorp Genetics (formerly Invitae), Labcorp); PubMed 24322056 (cited by Labcorp Genetics (formerly Invitae), Labcorp); PubMed 25417810 (cited by Labcorp Genetics (formerly Invitae), Labcorp); PubMed 22581653 (cited by Cardiovascular Biomedical Research Unit, Royal Brompton & Harefield NHS Foundation Trust).

NM_000238.4(KCNH2):c.1881C>G (p.Phe627Leu)

Gene: KCNH2 (potassium voltage-gated channel subfamily H member 2; minus strand). Cytogenetic location: 7q36.1.
Variant type: single nucleotide variant.
Coding change: c.1881C>G on transcript NM_000238.4 (MANE Select); coding-DNA position 1881, C replaced by G.
Protein change: p.Phe627Leu; replaces phenylalanine 627 with leucine.
Molecular consequence: missense variant.
Genome position (GRCh38, 1-based): chr7:150,951,512, G>C on the plus strand (C>G on the coding strand, the complement: KCNH2 is on the minus strand). VCF-style: chr7-150951512-G-C. GRCh37 (hg19) VCF-style: chr7-150648600-G-C.
Other names: c.1881C>G (LRG_288t1); c.861C>G, p.Phe287Leu (NM_001204798.2, NM_172057.3); c.1593C>G, p.Phe531Leu (NM_001406753.1, NM_001406756.1); c.1704C>G, p.Phe568Leu (NM_001406755.1); c.1581C>G, p.Phe527Leu (NM_001406757.1); c.1881C>G, p.Phe627Leu (NM_172056.3); short protein forms F287L, F627L, F527L, F531L, F568L.
Identifiers: ClinVar variation 67310 (VCV000067310.5), dbSNP rs199473039, ClinGen allele CA005797.
Genomic context (GRCh38, chr7:150,951,512, plus strand): 5'-AATGAGCATGACGCAGATGGAGAAGATCTTCTCTGAGTTGGTGTTGGGAGAGACGTTGCC[G>C]AAGCCCACACTGGTGAGGCTGCTGAAGGTGAAGTAGAGCGCCGTCACATACTTGTCCTTG-3'
Protein context (NP_000229.1, residues 617-637): FTFSSLTSVG[Phe627Leu]GNVSPNTNSE